The following is an entry in ClinVar:

NM_001363.5(DKC1):c.993G>T (p.Gln331His)

Gene: DKC1 (dyskerin pseudouridine synthase 1; plus strand). Cytogenetic location: Xq28.
Variant type: single nucleotide variant.
Coding change: c.993G>T on transcript NM_001363.5 (MANE Select); coding-DNA position 993, G replaced by T.
Protein change: p.Gln331His; replaces glutamine 331 with histidine.
Molecular consequence: missense variant. On other transcripts: non-coding transcript variant (3).
Genome position (GRCh38, 1-based): chrX:154,770,836, G>T. VCF-style: chrX-154770836-G-T. GRCh37 (hg19) VCF-style: chrX-153999111-G-T.
Other names: c.993G>T, p.Gln331His (NM_001142463.3, NM_001288747.2); short protein forms Q331H.
Identifiers: ClinVar variation 2178919 (VCV002178919.4), dbSNP rs1407582382, ClinGen allele CA414894334.

ClinVar aggregate classification (germline): Uncertain significance (1 of 4 stars; one submission).

Conditions:
Dyskeratosis congenita. Identifiers: Orphanet 1775, MedGen C0265965, MONDO:0015780.

gnomAD v4.1: 1 of 1,211,512 alleles (0.000083%); highest among the groups gnomAD compares: Non-Finnish European, 0.00011%; no homozygotes.

Submission:

Labcorp Genetics (formerly Invitae), Labcorp
Classification: Uncertain significance for Dyskeratosis congenita. Last evaluated: 2022-11-01. Review status: criteria provided, single submitter. Criteria: Invitae Variant Classification Sherloc (09022015). Collection method: clinical testing. Allele origin: germline.
Comment: In summary, the available evidence is currently insufficient to determine the role of this variant in disease. Therefore, it has been classified as a Variant of Uncertain Significance. Advanced modeling of protein sequence and biophysical properties (such as structural, functional, and spatial information, amino acid conservation, physicochemical variation, residue mobility, and thermodynamic stability) performed at Invitae indicates that this missense variant is not expected to disrupt DKC1 protein function. This variant has not been reported in the literature in individuals affected with DKC1-related conditions. This variant is not present in population databases (gnomAD no frequency). This sequence change replaces glutamine, which is neutral and polar, with histidine, which is basic and polar, at codon 331 of the DKC1 protein (p.Gln331His).